The following is an entry in ClinVar:

ClinVar aggregate classification (germline): Uncertain significance (1 of 4 stars; one submission).

Allele frequency attached by ClinVar (database versions not stated): TOPMed below 0.00001; ExAC 0.00001.

Submission:

Ambry Genetics
Classification: Uncertain significance. Last evaluated: 2024-07-07. Review status: criteria provided, single submitter. Criteria: Ambry Variant Classification Scheme 2023. Collection method: clinical testing. Allele origin: germline.
Comment: The p.E653D variant (also known as c.1959G>C), located in coding exon 17 of the RAD54L gene, results from a G to C substitution at nucleotide position 1959. The glutamic acid at codon 653 is replaced by aspartic acid, an amino acid with highly similar properties. This amino acid position is conserved. In addition, this alteration is predicted to be tolerated by in silico analysis. Since supporting evidence is limited at this time, the clinical significance of this alteration remains unclear.

NM_003579.4(RAD54L):c.1959G>C (p.Glu653Asp)

Genes: LRRC41 (leucine rich repeat containing 41; minus strand), RAD54L (RAD54 like; plus strand). Cytogenetic location: 1p34.1.
Variant type: single nucleotide variant.
Coding change: c.1959G>C on transcript NM_003579.4 (MANE Select); coding-DNA position 1959, G replaced by C.
Protein change: p.Glu653Asp; replaces glutamic acid 653 with aspartic acid.
Molecular consequence: missense variant. On other transcripts: 3 prime UTR variant (1).
Genome position (GRCh38, 1-based): chr1:46,277,906, G>C. VCF-style: chr1-46277906-G-C. GRCh37 (hg19) VCF-style: chr1-46743578-G-C.
Other names: c.*959C>G (NM_006369.5); c.1959G>C, p.Glu653Asp (NM_001142548.2); c.1419G>C, p.Glu473Asp (NM_001370766.1); short protein forms E473D, E653D.
Identifiers: ClinVar variation 1783372 (VCV001783372.3), dbSNP rs745922905, ClinGen allele CA834776.